The following is an entry in ClinVar:

NM_001184.4(ATR):c.2368T>A (p.Cys790Ser)

Gene: ATR (ATR checkpoint kinase; minus strand). Cytogenetic location: 3q23.
Variant type: single nucleotide variant.
Coding change: c.2368T>A on transcript NM_001184.4 (MANE Select); coding-DNA position 2368, T replaced by A.
Protein change: p.Cys790Ser; replaces cysteine 790 with serine.
Molecular consequence: missense variant.
Genome position (GRCh38, 1-based): chr3:142,553,989, A>T on the plus strand (T>A on the coding strand, the complement: ATR is on the minus strand). VCF-style: chr3-142553989-A-T. GRCh37 (hg19) VCF-style: chr3-142272831-A-T.
Other names: c.2176T>A, p.Cys726Ser (NM_001354579.2); short protein forms C790S, C726S.
Identifiers: ClinVar variation 1790247 (VCV001790247.3), dbSNP rs758142762, ClinGen allele CA354817294.

ClinVar aggregate classification (germline): Uncertain significance (1 of 4 stars; one submission).

Conditions:
Inborn genetic diseases. Identifiers: MedGen C0950123, MeSH D030342.

gnomAD v4.1: 1 of 1,609,296 alleles (0.000062%); highest among the groups gnomAD compares: Admixed American, 0.0017%; no homozygotes.

Submission:

Ambry Genetics
Classification: Uncertain significance for Inborn genetic diseases. Last evaluated: 2022-04-19. Review status: criteria provided, single submitter. Criteria: Ambry Variant Classification Scheme 2023. Collection method: clinical testing. Allele origin: germline.
Comment: The p.C790S variant (also known as c.2368T>A), located in coding exon 11 of the ATR gene, results from a T to A substitution at nucleotide position 2368. The cysteine at codon 790 is replaced by serine, an amino acid with dissimilar properties. This amino acid position is conserved. In addition, the in silico prediction for this alteration is inconclusive. Since supporting evidence is limited at this time, the clinical significance of this alteration remains unclear.